The following is an entry in ClinVar:

NM_001376.5(DYNC1H1):c.9691G>T (p.Val3231Leu)

Gene: DYNC1H1 (dynein cytoplasmic 1 heavy chain 1; plus strand). Cytogenetic location: 14q32.31.
Variant type: single nucleotide variant.
Coding change: c.9691G>T on transcript NM_001376.5 (MANE Select); coding-DNA position 9691, G replaced by T.
Protein change: p.Val3231Leu; replaces valine 3231 with leucine.
Molecular consequence: missense variant.
Genome position (GRCh38, 1-based): chr14:102,029,867, G>T. VCF-style: chr14-102029867-G-T. GRCh37 (hg19) VCF-style: chr14-102496204-G-T.
Other names: short protein forms V3231L.
Identifiers: ClinVar variation 565533 (VCV000565533.10), dbSNP rs1567017900, ClinGen allele CA391016832.

ClinVar aggregate classification (germline): Uncertain significance. Review status: criteria provided, multiple submitters, no conflicts (2 of 4 stars). 2 submissions from 2 submitters: Uncertain significance (2). Last evaluated 2023-11-27.

Conditions:
Charcot-Marie-Tooth disease axonal type 2O. Also called: CHARCOT-MARIE-TOOTH NEUROPATHY, AXONAL, TYPE 2O; Charcot-Marie-Tooth disease, axonal, type 20; CHARCOT-MARIE-TOOTH DISEASE, AXONAL, AUTOSOMAL DOMINANT, TYPE 2O; Charcot-Marie-Tooth Neuropathy Type 2O. Identifiers: Orphanet 284232, MedGen C3280220, MONDO:0013644, OMIM 614228.
Inborn genetic diseases. Identifiers: MedGen C0950123, MeSH D030342.

Submissions (2):

Labcorp Genetics (formerly Invitae), Labcorp
Classification: Uncertain significance for Charcot-Marie-Tooth disease axonal type 2O. Last evaluated: 2023-11-27. Review status: criteria provided, single submitter. Criteria: Invitae Variant Classification Sherloc (09022015). Collection method: clinical testing. Allele origin: germline.
Comment: This sequence change replaces valine, which is neutral and non-polar, with leucine, which is neutral and non-polar, at codon 3231 of the DYNC1H1 protein (p.Val3231Leu). This variant is not present in population databases (gnomAD no frequency). This variant has not been reported in the literature in individuals affected with DYNC1H1-related conditions. ClinVar contains an entry for this variant (Variation ID: 565533). Advanced modeling of protein sequence and biophysical properties (such as structural, functional, and spatial information, amino acid conservation, physicochemical variation, residue mobility, and thermodynamic stability) performed at Invitae indicates that this missense variant is not expected to disrupt DYNC1H1 protein function with a negative predictive value of 95%. In summary, the available evidence is currently insufficient to determine the role of this variant in disease. Therefore, it has been classified as a Variant of Uncertain Significance.

Ambry Genetics
Classification: Uncertain significance for Inborn genetic diseases. Last evaluated: 2021-08-30. Review status: criteria provided, single submitter. Criteria: Ambry Variant Classification Scheme 2023. Collection method: clinical testing. Allele origin: germline.
Comment: The p.V3231L variant (also known as c.9691G>T), located in coding exon 50 of the DYNC1H1 gene, results from a G to T substitution at nucleotide position 9691. The valine at codon 3231 is replaced by leucine, an amino acid with highly similar properties. This amino acid position is conserved. In addition, this alteration is predicted to be tolerated by in silico analysis. Since supporting evidence is limited at this time, the clinical significance of this alteration remains unclear.